The following is an entry in ClinVar:

NM_017636.4(TRPM4):c.3167T>C (p.Leu1056Pro)

Gene: TRPM4 (transient receptor potential cation channel subfamily M member 4; plus strand). Cytogenetic location: 19q13.33.
Variant type: single nucleotide variant.
Coding change: c.3167T>C on transcript NM_017636.4 (MANE Select); coding-DNA position 3167, T replaced by C.
Protein change: p.Leu1056Pro; replaces leucine 1056 with proline.
Molecular consequence: missense variant.
Genome position (GRCh38, 1-based): chr19:49,210,244, T>C. VCF-style: chr19-49210244-T-C. GRCh37 (hg19) VCF-style: chr19-49713501-T-C.
Other names: c.2732T>C, p.Leu911Pro (NM_001195227.2); c.2822T>C, p.Leu941Pro (NM_001321281.2); c.1559T>C, p.Leu520Pro (NM_001321282.2); c.2645T>C, p.Leu882Pro (NM_001321283.2); c.2105T>C, p.Leu702Pro (NM_001321285.2); short protein forms L1056P, L520P, L702P, L882P, L911P, L941P.
Identifiers: ClinVar variation 2574025 (VCV002574025.3), dbSNP rs2514238258, ClinGen allele CA406771592.

ClinVar aggregate classification (germline): Uncertain significance (1 of 4 stars; one submission).

Conditions:
Long QT syndrome (LQTS). Identifiers: MedGen C0023976, MeSH D008133, MONDO:0002442. Disease mechanism: loss of function. Inheritance: Various modes of inheritance.

Submission:

Dept of Medical Biology, Uskudar University
Classification: Uncertain significance for Long QT syndrome. Last evaluated: 2024-01-08. Review status: criteria provided, single submitter. Criteria: Dept of Medical Biology Variant Classification. Collection method: research. Allele origin: maternal. Affected: yes. Observed: 1 variant allele.
Comment: Criteria: PM2